The following is an entry in ClinVar:

ClinVar aggregate classification (germline): Conflicting classifications of pathogenicity. Review status: criteria provided, conflicting classifications (1 of 4 stars). 3 submissions from 3 submitters: Uncertain significance (1); Likely benign (2). Last evaluated 2025-11-09.

Conditions:
Breast-ovarian cancer, familial, susceptibility to, 3. Also called: RAD51C-Related Breast/Ovarian Cancer. Identifiers: Orphanet 145, MedGen C3150659, MONDO:0013253, OMIM 613399.
Fanconi anemia complementation group O. Also called: RAD51C-Related Fanconi Anemia. Identifiers: Orphanet 84, MedGen C3150653, MONDO:0013248, OMIM 613390.

Submissions (3):

Quest Diagnostics Nichols Institute San Juan Capistrano
Classification: Uncertain significance. Last evaluated: 2025-11-09. Review status: criteria provided, single submitter. Criteria: Quest Diagnostics criteria. Collection method: clinical testing. Allele origin: unknown.
Comment: The RAD51C c.905-6T>C variant has not been reported in individuals with RAD51C-related conditions in the published literature. This variant has not been reported in large, multi-ethnic general populations (Genome Aggregation Database). Analysis of this variant using software algorithms for the prediction of the effect of nucleotide changes on splicing yielded predictions that this variant does not affect RAD51C mRNA splicing. Based on the available information, we are unable to determine the clinical significance of this variant.

Myriad Genetics, Inc.
Classification: Likely benign for Breast-ovarian cancer, familial, susceptibility to, 3. Last evaluated: 2025-02-19. Review status: criteria provided, single submitter. Criteria: Myriad Autosomal Dominant, Autosomal Recessive and X-Linked Classification Criteria (2023). Collection method: clinical testing. Allele origin: unknown.
Comment: This variant is considered likely benign. This variant is intronic and is not expected to impact mRNA splicing.

Labcorp Genetics (formerly Invitae), Labcorp
Classification: Likely benign for Fanconi anemia complementation group O. Last evaluated: 2023-09-27. Review status: criteria provided, single submitter. Criteria: Invitae Variant Classification Sherloc (09022015). Collection method: clinical testing. Allele origin: germline.

NM_058216.3(RAD51C):c.905-6T>C

Gene: RAD51C (RAD51 paralog C; plus strand). Cytogenetic location: 17q22.
Variant type: single nucleotide variant.
Coding change: c.905-6T>C on transcript NM_058216.3 (MANE Select); 6 bases into the intron before coding-DNA position 905, T replaced by C.
Molecular consequence: intron variant.
Genome position (GRCh38, 1-based): chr17:58,724,034, T>C. VCF-style: chr17-58724034-T-C. GRCh37 (hg19) VCF-style: chr17-56801395-T-C.
Other names: c.905-6T>C (NM_058216.2).
Identifiers: ClinVar variation 1984641 (VCV001984641.6), dbSNP rs2509343899, ClinGen allele CA2580094317.